The following is an entry in ClinVar:

ClinVar aggregate classification (germline): Uncertain significance (1 of 4 stars; one submission).

Allele frequency attached by ClinVar (database versions not stated): ExAC 0.00005; TOPMed 0.00006; gnomAD 0.00009; ESP Exome Variant Server 0.00031.
gnomAD v4.1: 178 of 1,614,082 alleles (0.011%); highest among the groups gnomAD compares: African/African-American, 0.017%; no homozygotes.

Submission:

Labcorp Genetics (formerly Invitae), Labcorp
Classification: Uncertain significance. Last evaluated: 2025-05-16. Review status: criteria provided, single submitter. Criteria: Invitae Variant Classification Sherloc (09022015). Collection method: clinical testing. Allele origin: germline.
Comment: This sequence change replaces alanine, which is neutral and non-polar, with threonine, which is neutral and polar, at codon 167 of the MMP2 protein (p.Ala167Thr). This variant is present in population databases (rs141565911, gnomAD 0.02%). This variant has not been reported in the literature in individuals affected with MMP2-related conditions. ClinVar contains an entry for this variant (Variation ID: 2077080). Invitae Evidence Modeling of protein sequence and biophysical properties (such as structural, functional, and spatial information, amino acid conservation, physicochemical variation, residue mobility, and thermodynamic stability) has been performed for this missense variant. However, the output from this modeling did not meet the statistical confidence thresholds required to predict the impact of this variant on MMP2 protein function. In summary, the available evidence is currently insufficient to determine the role of this variant in disease. Therefore, it has been classified as a Variant of Uncertain Significance.

NM_004530.6(MMP2):c.499G>A (p.Ala167Thr)

Gene: MMP2 (matrix metallopeptidase 2; plus strand). Cytogenetic location: 16q12.2.
Variant type: single nucleotide variant.
Coding change: c.499G>A on transcript NM_004530.6 (MANE Select); coding-DNA position 499, G replaced by A.
Protein change: p.Ala167Thr; replaces alanine 167 with threonine.
Molecular consequence: missense variant.
Genome position (GRCh38, 1-based): chr16:55,484,134, G>A. VCF-style: chr16-55484134-G-A. GRCh37 (hg19) VCF-style: chr16-55518046-G-A.
Other names: c.349G>A, p.Ala117Thr (NM_001127891.3); c.271G>A, p.Ala91Thr (NM_001302508.1, NM_001302509.2, NM_001302510.2); short protein forms A117T, A167T, A91T.
Identifiers: ClinVar variation 2077080 (VCV002077080.2), dbSNP rs141565911, ClinGen allele CA8060104.
Genomic context (GRCh38, chr16:55,484,134, plus strand): 5'-GCCTTCCAAGTCTGGAGCGATGTGACCCCACTGCGGTTTTCTCGAATCCATGATGGAGAG[G>A]CAGACATCATGATCAACTTTGGCCGCTGGGGTAGGCAGAAGATGGGGCAGAAGAGGGGCC-3'
Protein context (NP_004521.1, residues 157-177): LRFSRIHDGE[Ala167Thr]DIMINFGRWE